The following is an entry in ClinVar:

ClinVar aggregate classification (germline): Uncertain significance. Review status: criteria provided, multiple submitters, no conflicts (2 of 4 stars). 2 submissions from 2 submitters: Uncertain significance (2). Last evaluated 2024-11-11.

Conditions:
Asphyxiating thoracic dystrophy 2 (SRTD2). Also called: SHORT-RIB THORACIC DYSPLASIA 2 WITH POLYDACTYLY; SHORT-RIB THORACIC DYSPLASIA 2 WITHOUT POLYDACTYLY; SHORT-RIB THORACIC DYSPLASIA 2 WITH OR WITHOUT POLYDACTYLY. Identifiers: Orphanet 474, MedGen C1970005, MONDO:0012644, OMIM 611263.
Jeune thoracic dystrophy. Also called: Jeune syndrome; Infantile thoracic dystrophy; Thoracic pelvic phalangeal dystrophy; Jeune's syndrome; Chondroectodermal dysplasia-like syndrome; Short-rib thoracic dysplasia. Identifiers: Orphanet 474, MedGen C0265275, MONDO:0018770.

Allele frequency attached by ClinVar (database versions not stated): gnomAD exomes 0.00002; ExAC 0.00003; gnomAD 0.00005 and 0.00006; TOPMed 0.00007; ESP Exome Variant Server 0.00015.
gnomAD v4.1: 9 of 1,612,800 alleles (0.00056%); highest among the groups gnomAD compares: African/African-American, 0.0094%; no homozygotes.

Submissions (2):

Labcorp Genetics (formerly Invitae), Labcorp
Classification: Uncertain significance for Jeune thoracic dystrophy. Last evaluated: 2024-11-11. Review status: criteria provided, single submitter. Criteria: Invitae Variant Classification Sherloc (09022015). Collection method: clinical testing. Allele origin: germline.
Comment: This sequence change replaces arginine, which is basic and polar, with serine, which is neutral and polar, at codon 700 of the IFT80 protein (p.Arg700Ser). This variant is present in population databases (rs373671362, gnomAD 0.02%). This variant has not been reported in the literature in individuals affected with IFT80-related conditions. ClinVar contains an entry for this variant (Variation ID: 938382). An algorithm developed to predict the effect of missense changes on protein structure and function (PolyPhen-2) suggests that this variant is likely to be disruptive. In summary, the available evidence is currently insufficient to determine the role of this variant in disease. Therefore, it has been classified as a Variant of Uncertain Significance.

Fulgent Genetics
Classification: Uncertain significance for Asphyxiating thoracic dystrophy 2. Last evaluated: 2024-04-06. Review status: criteria provided, single submitter. Criteria: ACMG Guidelines, 2015. Collection method: clinical testing. Allele origin: germline.

NM_020800.3(IFT80):c.2100G>C (p.Arg700Ser)

Genes: IFT80 (intraflagellar transport 80; minus strand), TRIM59-IFT80 (TRIM59-IFT80 readthrough (NMD candidate); minus strand). Cytogenetic location: 3q25.33.
Variant type: single nucleotide variant.
Coding change: c.2100G>C on transcript NM_020800.3 (MANE Select); coding-DNA position 2100, G replaced by C.
Protein change: p.Arg700Ser; replaces arginine 700 with serine.
Molecular consequence: missense variant. On other transcripts: non-coding transcript variant (3).
Genome position (GRCh38, 1-based): chr3:160,268,536, C>G on the plus strand (G>C on the coding strand, the complement: IFT80 is on the minus strand). VCF-style: chr3-160268536-C-G. GRCh37 (hg19) VCF-style: chr3-159986324-C-G.
Other names: c.1689G>C, p.Arg563Ser (NM_001190241.2, NM_001190242.2); short protein forms R563S, R700S.
Identifiers: ClinVar variation 938382 (VCV000938382.10), dbSNP rs373671362, ClinGen allele CA2684962.
Genomic context (GRCh38, chr3:160,268,536, plus strand): 5'-TTGACGGTAAGCAAGAACTGTATCAACATGTGTTTTGTATTTTACAGCCAATTCCAGTGC[C>G]CTATAATGAGAAATAAAACAGATTATTAACATTGTTTGTGTCAGACTCCATGAGTAGTAG-3'
Protein context (NP_065851.1, residues 690-710): QININLYNWE[Arg700Ser]ALELAVKYKT